The following is an entry in ClinVar:

NM_001378454.1(ALMS1):c.352C>T (p.Gln118Ter)

Gene: ALMS1 (ALMS1 centrosome and basal body associated protein; plus strand). Cytogenetic location: 2p13.1.
Variant type: single nucleotide variant.
Coding change: c.352C>T on transcript NM_001378454.1 (MANE Select); coding-DNA position 352, C replaced by T.
Protein change: p.Gln118Ter; replaces glutamine 118 with a stop codon.
Molecular consequence: nonsense.
Genome position (GRCh38, 1-based): chr2:73,408,649, C>T. VCF-style: chr2-73408649-C-T. GRCh37 (hg19) VCF-style: chr2-73635777-C-T.
Other names: c.355C>T, p.Gln119Ter (NM_015120.4); short protein forms Q118*, Q119*.
Identifiers: ClinVar variation 2634093 (VCV002634093.1), dbSNP rs758016217, ClinGen allele CA347257539.

ClinVar aggregate classification (germline): Likely pathogenic (1 of 4 stars; one submission).

Conditions:
ALMS1-related disorder. Also called: ALMS1-related condition.

Allele frequency attached by ClinVar (database versions not stated): gnomAD exomes below 0.00001.
gnomAD v4.1: 1 of 1,613,290 alleles (0.000062%); highest among the groups gnomAD compares: Non-Finnish European, 0.000085%; no homozygotes.

Submission:

PreventionGenetics, part of Exact Sciences
Classification: Likely pathogenic for ALMS1-related condition. Last evaluated: 2022-09-23. Review status: criteria provided, single submitter. Criteria: ACMG Guidelines, 2015. Collection method: clinical testing. Allele origin: germline.
Comment: The ALMS1 c.355C>T variant is predicted to result in premature protein termination (p.Gln119*). To our knowledge, this variant has not been reported in the literature. This variant is reported in 0.0053% of alleles in individuals of European (Non-Finnish) descent in gnomAD. Frameshift variants in ALMS1 are expected to be pathogenic. Pathogenic protein chain terminating variants have been reported upstream and downstream of this variant, providing further evidence of pathogenicity for this variant. This variant is interpreted as likely pathogenic.